The following is an entry in ClinVar:

NM_000747.3(CHRNB1):c.1177C>T (p.Arg393Trp)

Gene: CHRNB1 (cholinergic receptor nicotinic beta 1 subunit; plus strand). Cytogenetic location: 17p13.1.
Variant type: single nucleotide variant.
Coding change: c.1177C>T on transcript NM_000747.3 (MANE Select); coding-DNA position 1177, C replaced by T.
Protein change: p.Arg393Trp; replaces arginine 393 with tryptophan.
Molecular consequence: missense variant.
Genome position (GRCh38, 1-based): chr17:7,455,416, C>T. VCF-style: chr17-7455416-C-T. GRCh37 (hg19) VCF-style: chr17-7358735-C-T.
Other names: short protein forms R393W.
Identifiers: ClinVar variation 3059057 (VCV003059057.4), dbSNP rs2069939028, ClinGen allele CA397801411.

ClinVar aggregate classification (germline): Uncertain significance. Review status: criteria provided, single submitter (1 of 4 stars). 2 submissions from 2 submitters: Uncertain significance (1). 1 of the submissions does not count toward it. Last evaluated 2025-07-03.

Conditions:
CHRNB1-related disorder. Also called: CHRNB1-related condition.
Congenital myasthenic syndrome 2A. Also called: Myasthenic syndrome, congenital, 2a, slow-channel. Identifiers: Orphanet 590, MedGen C4225374, MONDO:0014581, OMIM 616313.

Allele frequency attached by ClinVar (database versions not stated): TOPMed below 0.00001; gnomAD exomes below 0.00001.
gnomAD v4.1: 4 of 1,614,134 alleles (0.00025%); highest among the groups gnomAD compares: Middle Eastern, 0.033%; no homozygotes.

Submissions (2):

Labcorp Genetics (formerly Invitae), Labcorp
Classification: Uncertain significance for Congenital myasthenic syndrome 2A. Last evaluated: 2025-07-03. Review status: criteria provided, single submitter. Criteria: Invitae Variant Classification Sherloc (09022015). Collection method: clinical testing. Allele origin: germline.
Comment: This sequence change replaces arginine, which is basic and polar, with tryptophan, which is neutral and slightly polar, at codon 393 of the CHRNB1 protein (p.Arg393Trp). This variant is not present in population databases (gnomAD no frequency). This variant has not been reported in the literature in individuals affected with CHRNB1-related conditions. ClinVar contains an entry for this variant (Variation ID: 3059057). Invitae Evidence Modeling of protein sequence and biophysical properties (such as structural, functional, and spatial information, amino acid conservation, physicochemical variation, residue mobility, and thermodynamic stability) indicates that this missense variant is not expected to disrupt CHRNB1 protein function with a negative predictive value of 80%. In summary, the available evidence is currently insufficient to determine the role of this variant in disease. Therefore, it has been classified as a Variant of Uncertain Significance.

PreventionGenetics, part of Exact Sciences
Classification: Uncertain significance for CHRNB1-related condition. Last evaluated: 2023-12-13. Review status: no assertion criteria provided. Collection method: clinical testing. Allele origin: germline. Not counted in ClinVar's aggregate classification.
Comment: The CHRNB1 c.1177C>T variant is predicted to result in the amino acid substitution p.Arg393Trp. To our knowledge, this variant has not been reported in the literature or in a large population database, indicating this variant is rare. At this time, the clinical significance of this variant is uncertain due to the absence of conclusive functional and genetic evidence.